The following is an entry in ClinVar:

NM_001365276.2(TNXB):c.5768A>G (p.Gln1923Arg)

Gene: TNXB (tenascin XB; minus strand). Cytogenetic location: 6p21.33.
Variant type: single nucleotide variant.
Coding change: c.5768A>G on transcript NM_001365276.2 (MANE Select); coding-DNA position 5768, A replaced by G.
Protein change: p.Gln1923Arg; replaces glutamine 1923 with arginine.
Molecular consequence: missense variant.
Genome position (GRCh38, 1-based): chr6:32,068,956, T>C on the plus strand (A>G on the coding strand, the complement: TNXB is on the minus strand). VCF-style: chr6-32068956-T-C. GRCh37 (hg19) VCF-style: chr6-32036733-T-C.
Other names: c.5768A>G, p.Gln1923Arg (NM_019105.8); short protein forms Q1923R.
Identifiers: ClinVar variation 3257536 (VCV003257536.17).

ClinVar aggregate classification (germline): Uncertain significance (1 of 4 stars; one submission).

gnomAD v4.1: 1 of 1,612,868 alleles (0.000062%); highest among the groups gnomAD compares: Non-Finnish European, 0.000085%; no homozygotes.

Submission:

CeGaT Center for Human Genetics Tuebingen
Classification: Uncertain significance. Last evaluated: 2024-07-01. Review status: criteria provided, single submitter. Criteria: CeGaT Center For Human Genetics Tuebingen Variant Classification Criteria Version 2. Collection method: clinical testing. Allele origin: germline. Affected: yes. Observed: 1 variant allele.
Comment: TNXB: PM2, BP4